The following is an entry in ClinVar:

ClinVar aggregate classification (germline): Pathogenic. Review status: criteria provided, multiple submitters, no conflicts (2 of 4 stars). 9 submissions from 9 submitters: Pathogenic (7). 2 of the submissions do not count toward it. Last evaluated 2026-07-16.

Conditions:
CYP27A1-related disorder. Also called: CYP27A1-related condition.
Cholestanol storage disease (CTX). Also called: CEREBRAL CHOLESTERINOSIS; Cerebrotendinous Xanthomatosis; CTX: Cerebrotendinous xanthomatosis. Identifiers: Orphanet 909, MedGen C0238052, MONDO:0008948, OMIM 213700.

Allele frequency attached by ClinVar (database versions not stated): gnomAD 0.00004; gnomAD exomes 0.00002 and 0.00006; ExAC 0.00006; TOPMed 0.00002.
gnomAD v4.1: 41 of 1,614,078 alleles (0.0025%); highest among the groups gnomAD compares: Non-Finnish European, 0.001%; no homozygotes.

Submissions (9):

GeneDx
Classification: Pathogenic. Last evaluated: 2026-07-16. Review status: criteria provided, single submitter. Criteria: GeneDx Variant Classification Process June 2021. Collection method: clinical testing. Allele origin: germline.
Comment: Canonical splice site variant predicted to result in a null allele in a gene for which loss of function is a known mechanism of disease; This variant is associated with the following publications: (PMID: 25525159, 8514861, 29095540, 10775536, 21404287, 27084087, 21645175, 38874774)

PreventionGenetics, part of Exact Sciences
Classification: Pathogenic for CYP27A1-related condition. Last evaluated: 2026-03-25. Review status: criteria provided, single submitter. Criteria: ACMG Guidelines, 2015. Collection method: clinical testing. Allele origin: germline.
Comment: The CYP27A1 c.845-1G>A variant is predicted to disrupt the AG splice acceptor site and interfere with normal splicing. This variant has been reported in the homozygous and compound heterozygous state in individuals with cerebrotendinous xanthomatosis (Leitersdorf et al. 1993. PubMed ID: 8514861; Pilo-de-la-Fuente et al. 2011. PubMed ID: 21645175; Zaccai et al. 2024. PubMed ID: 38288684), the majority of whom were of Moroccan Jewish descent. This variant is reported in 0.11% of alleles in individuals of Ashkenazi Jewish descent in gnomAD. Variants that disrupt the consensus splice acceptor site in CYP27A1 are expected to be pathogenic. This variant is interpreted as pathogenic.

Labcorp Genetics (formerly Invitae), Labcorp
Classification: Pathogenic for Cholestanol storage disease. Last evaluated: 2026-01-20. Review status: criteria provided, single submitter. Criteria: Invitae Variant Classification Sherloc (09022015). Collection method: clinical testing. Allele origin: germline.
Comment: This sequence change affects an acceptor splice site in intron 4 of the CYP27A1 gene. It is expected to disrupt RNA splicing. Variants that disrupt the donor or acceptor splice site typically lead to a loss of protein function (PMID: 16199547), and loss-of-function variants in CYP27A1 are known to be pathogenic (PMID: 9392430, 10775536, 26937392). This variant is present in population databases (rs397515353, gnomAD 0.1%). Disruption of this splice site has been observed in individuals with cerebrotendinous xanthomatosis (PMID: 8514861, 21645175, 27084087). ClinVar contains an entry for this variant (Variation ID: 4256). Algorithms developed to predict the effect of sequence changes on RNA splicing suggest that this variant may disrupt the consensus splice site. For these reasons, this variant has been classified as Pathogenic.

Natera, Inc.
Classification: Pathogenic for Cerebrotendinous xanthomatosis. Last evaluated: 2025-08-19. Review status: criteria provided, single submitter. Criteria: Natera Variant Classification Schema (03/2026). Collection method: clinical testing. Allele origin: germline.
Comment: The c.845-1G>A variant in CYP27A1 is a canonical splice acceptor site variant predicted to affect pre-mRNA splicing, which may result in an abnormal transcript and altered protein product. This variant is expected to result in nonsense mediated decay, truncation, or a dysfunctional protein product. This variant is rare in the general population with a frequency below the threshold expected for the associated phenotype(s). This variant has been observed in one or more individuals affected with the associated recessive disease, as either homozygous or compound heterozygous with a second variant (PMID: 21404287, 27084087, 23673909). Additionally, this variant has been observed to segregate in affected family members (PMID: 23673909). Given the available evidence, this variant is classified as Pathogenic.

Blueprint Genetics
Classification: Pathogenic for CYP27A1-related disorders. Last evaluated: 2022-08-22. Review status: criteria provided, single submitter. Criteria: ACMG Guidelines, 2015. Collection method: clinical testing. Allele origin: germline. Affected: yes. Observed: 4 variant alleles.

Fulgent Genetics
Classification: Pathogenic for Cholestanol storage disease. Last evaluated: 2022-01-27. Review status: criteria provided, single submitter. Criteria: ACMG Guidelines, 2015. Collection method: clinical testing. Allele origin: unknown.

Myriad Genetics, Inc.
Classification: Pathogenic for Cholestanol storage disease. Last evaluated: 2021-11-09. Review status: criteria provided, single submitter. Criteria: Myriad Women's Health Autosomal Recessive and X-Linked Classification Criteria (2021). Collection method: clinical testing. Allele origin: unknown.
Comment: NM_000784.3(CYP27A1):c.845-1G>A is a canonical splice variant classified as pathogenic in the context of cerebrotendinous xanthomatosis. c.845-1G>A has been observed in cases with relevant disease (PMID: 27084087, 21404287, 8514861). Functional assessments of this variant are available in the literature (PMID: 8514861). c.845-1G>A has been observed in population frequency databases (gnomAD: ASJ 0.11%). In summary, NM_000784.3(CYP27A1):c.845-1G>A is a canonical splice variant in a gene where loss of function is a known mechanism of disease, is predicted to disrupt protein function, and has been observed more frequently in cases with the relevant disease than in healthy populations. Please note: this variant was assessed in the context of healthy population screening.

GeneReviews
Classification: Pathogenic for Cerebrotendinous Xanthomatosis. Last evaluated: 2013-08-01. Review status: no assertion criteria provided. Collection method: curation. Allele origin: unknown. Not counted in ClinVar's aggregate classification.
ClinVar note: Converted during submission from pathologic to Pathogenic.

OMIM
Classification: Pathogenic for CEREBROTENDINOUS XANTHOMATOSIS. Last evaluated: 1993-06-01. Review status: no assertion criteria provided. Collection method: literature only. Allele origin: germline. Not counted in ClinVar's aggregate classification.

Literature cited by the submitters: PubMed 16199547 (cited by Labcorp Genetics (formerly Invitae), Labcorp); PubMed 9392430 (cited by Labcorp Genetics (formerly Invitae), Labcorp); PubMed 10775536 (cited by Labcorp Genetics (formerly Invitae), Labcorp); PubMed 26937392 (cited by Labcorp Genetics (formerly Invitae), Labcorp); PubMed 8514861 (cited by 3 submitters); PubMed 21645175 (cited by Labcorp Genetics (formerly Invitae), Labcorp); PubMed 27084087 (cited by 3 submitters); PubMed 21404287 (cited by Natera, Inc. and Myriad Genetics, Inc.); PubMed 23673909 (cited by Natera, Inc.).

NM_000784.4(CYP27A1):c.845-1G>A

Gene: CYP27A1 (cytochrome P450 family 27 subfamily A member 1; plus strand). Cytogenetic location: 2q35.
Variant type: single nucleotide variant.
Coding change: c.845-1G>A on transcript NM_000784.4 (MANE Select); the canonical splice acceptor site of the intron before coding-DNA position 845, G replaced by A.
Molecular consequence: splice acceptor variant.
Genome position (GRCh38, 1-based): chr2:218,812,923, G>A. VCF-style: chr2-218812923-G-A. GRCh37 (hg19) VCF-style: chr2-219677646-G-A.
Other names: c.845-1G>A.
Identifiers: ClinVar variation 4256 (VCV000004256.30), dbSNP rs397515353, ClinGen allele CA340212.
Genomic context (GRCh38, chr2:218,812,923, plus strand): 5'-TTGGTCCTTGGAGATCATGACTTTTGGCTTTGTCCTTTCCTCTTCTCTGTTGCTTTCACA[G>A]GGAAGAAGCTGATTGATGAGAAGCTCGAAGATATGGAGGCCCAACTGCAGGCAGCAGGGC-3'